The following is an entry in ClinVar:

ClinVar aggregate classification (germline): Pathogenic (1 of 4 stars; one submission).

Conditions:
Alstrom syndrome (ALMS). Identifiers: Orphanet 64, MedGen C0268425, MONDO:0008763, OMIM 203800.

Submission:

Labcorp Genetics (formerly Invitae), Labcorp
Classification: Pathogenic for Alstrom syndrome. Last evaluated: 2022-03-08. Review status: criteria provided, single submitter. Criteria: Invitae Variant Classification Sherloc (09022015). Collection method: clinical testing. Allele origin: germline.
Comment: For these reasons, this variant has been classified as Pathogenic. This premature translational stop signal has been observed in individual(s) with clinical features of Alström syndrome (PMID: 29588463). This variant is not present in population databases (gnomAD no frequency). This sequence change creates a premature translational stop signal (p.Ser889*) in the ALMS1 gene. It is expected to result in an absent or disrupted protein product. Loss-of-function variants in ALMS1 are known to be pathogenic (PMID: 17594715).

Literature cited by the submitters: PubMed 29588463; PubMed 17594715.

NM_001378454.1(ALMS1):c.2663C>G (p.Ser888Ter)

Gene: ALMS1 (ALMS1 centrosome and basal body associated protein; plus strand). Cytogenetic location: 2p13.1.
Variant type: single nucleotide variant.
Coding change: c.2663C>G on transcript NM_001378454.1 (MANE Select); coding-DNA position 2663, C replaced by G.
Protein change: p.Ser888Ter; replaces serine 888 with a stop codon.
Molecular consequence: nonsense.
Genome position (GRCh38, 1-based): chr2:73,449,190, C>G. VCF-style: chr2-73449190-C-G. GRCh37 (hg19) VCF-style: chr2-73676317-C-G.
Other names: c.2666C>G, p.Ser889Ter (NM_015120.4); short protein forms S889*, S888*.
Identifiers: ClinVar variation 2069816 (VCV002069816.4), dbSNP rs764559444, ClinGen allele CA347270992.